The following is an entry in ClinVar:

ClinVar aggregate classification (germline): Conflicting classifications of pathogenicity. Review status: criteria provided, conflicting classifications (1 of 4 stars). 2 submissions from 2 submitters: Uncertain significance (1); Benign (1). Last evaluated 2025-11-05.

Conditions:
Cardiovascular phenotype. Identifiers: MedGen CN230736.
Hereditary cancer-predisposing syndrome. Also called: Tumor predisposition; Hereditary Cancer Syndrome; Neoplastic Syndromes, Hereditary; Hereditary neoplastic syndrome. Identifiers: Orphanet 140162, MedGen C0027672, MeSH D009386, MONDO:0015356.
Neurofibromatosis, type 1 (NF1). Also called: VON RECKLINGHAUSEN DISEASE; Peripheral type neurofibromatosis; Neurofibromatosis, type I; NEUROFIBROMATOSIS, TYPE I, SOMATIC. Identifiers: Orphanet 636, MedGen C0027831, MONDO:0018975, OMIM 162200. Disease mechanism: loss of function.

Allele frequency attached by ClinVar (database versions not stated): gnomAD exomes below 0.00001.
gnomAD v4.1: 2 of 1,614,164 alleles (0.00012%); highest among the groups gnomAD compares: Non-Finnish European, 0.00017%; no homozygotes.

Submissions (2):

Labcorp Genetics (formerly Invitae), Labcorp
Classification: Benign for Neurofibromatosis, type 1. Last evaluated: 2025-11-05. Review status: criteria provided, single submitter. Criteria: Invitae Variant Classification Sherloc (09022015). Collection method: clinical testing. Allele origin: germline.

Ambry Genetics
Classification: Uncertain significance for Cardiovascular phenotype; Hereditary cancer-predisposing syndrome. Last evaluated: 2025-06-06. Review status: criteria provided, single submitter. Criteria: Ambry Variant Classification Scheme 2023. Collection method: clinical testing. Allele origin: germline.
Comment: The p.S348P variant (also known as c.1042T>C), located in coding exon 9 of the NF1 gene, results from a T to C substitution at nucleotide position 1042. The serine at codon 348 is replaced by proline, an amino acid with similar properties. This amino acid position is highly conserved in available vertebrate species. In addition, the in silico prediction for this alteration is inconclusive. Since supporting evidence is limited at this time, the clinical significance of this alteration remains unclear.

NM_001042492.3(NF1):c.1042T>C (p.Ser348Pro)

Gene: NF1 (neurofibromin 1; plus strand). Cytogenetic location: 17q11.2.
Variant type: single nucleotide variant.
Coding change: c.1042T>C on transcript NM_001042492.3 (MANE Select); coding-DNA position 1042, T replaced by C.
Protein change: p.Ser348Pro; replaces serine 348 with proline.
Molecular consequence: missense variant.
Genome position (GRCh38, 1-based): chr17:31,200,575, T>C. VCF-style: chr17-31200575-T-C. GRCh37 (hg19) VCF-style: chr17-29527593-T-C.
Other names: c.1042T>C, p.Ser348Pro (NM_000267.4, NM_001128147.3); short protein forms S348P.
Identifiers: ClinVar variation 219385 (VCV000219385.12), dbSNP rs864622064, ClinGen allele CA349558.
Genomic context (GRCh38, chr17:31,200,575, plus strand): 5'-TGTAAAGCAAGTACTTACATCAATTGGGAAGATAACTCTGTCATTTTCCTACTTGTTCAG[T>C]CCATGGTGGTTGATCTTAAGGTAACATGCTTATTCTTTCTCTACTACAAACTTTAAGAAA-3'
Protein context (NP_001035957.1, residues 338-358): DNSVIFLLVQ[Ser348Pro]MVVDLKNLLF